The following is an entry in ClinVar:

ClinVar aggregate classification (germline): Uncertain significance (1 of 4 stars; one submission).

Conditions:
Cardiovascular phenotype. Identifiers: MedGen CN230736.

Allele frequency attached by ClinVar (database versions not stated): gnomAD exomes below 0.00001.
gnomAD v4.1: 1 of 1,613,184 alleles (0.000062%); highest among the groups gnomAD compares: Non-Finnish European, 0.000085%; no homozygotes.

Submission:

Ambry Genetics
Classification: Uncertain significance for Cardiovascular phenotype. Last evaluated: 2020-05-08. Review status: criteria provided, single submitter. Criteria: Ambry Variant Classification Scheme 2023. Collection method: clinical testing. Allele origin: germline.
Comment: The p.M601T variant (also known as c.1802T>C), located in coding exon 11 of the TTN gene, results from a T to C substitution at nucleotide position 1802. The methionine at codon 601 is replaced by threonine, an amino acid with similar properties. This amino acid position is not well conserved in available vertebrate species. In addition, this alteration is predicted to be tolerated by in silico analysis. Since supporting evidence is limited at this time, the clinical significance of this alteration remains unclear.

NM_001267550.2(TTN):c.1940T>C (p.Met647Thr)

Gene: TTN (titin; minus strand). Cytogenetic location: 2q31.2.
Variant type: single nucleotide variant.
Coding change: c.1940T>C on transcript NM_001267550.2 (MANE Select); coding-DNA position 1940, T replaced by C.
Protein change: p.Met647Thr; replaces methionine 647 with threonine.
Molecular consequence: missense variant.
Genome position (GRCh38, 1-based): chr2:178,789,496, A>G on the plus strand (T>C on the coding strand, the complement: TTN is on the minus strand). VCF-style: chr2-178789496-A-G. GRCh37 (hg19) VCF-style: chr2-179654223-A-G.
Other names: c.1940T>C, p.Met647Thr (NM_001256850.1, NM_133378.4, NM_133379.5); c.1802T>C, p.Met601Thr (NM_003319.4, NM_133432.3, NM_133437.4); short protein forms M601T, M647T.
Identifiers: ClinVar variation 1780433 (VCV001780433.2), dbSNP rs1169243136, ClinGen allele CA349505971.